The following is an entry in ClinVar:

ClinVar aggregate classification (germline): Uncertain significance (1 of 4 stars; one submission).

Conditions:
IQSEC2-related disorder. Also called: IQSEC2-related condition.

Submission:

PreventionGenetics, part of Exact Sciences
Classification: Uncertain significance for IQSEC2-related condition. Last evaluated: 2026-04-23. Review status: criteria provided, single submitter. Criteria: ACMG Guidelines, 2015. Collection method: clinical testing. Allele origin: germline.
Comment: The IQSEC2 c.1124C>T variant is predicted to result in the amino acid substitution p.Ser375Leu. To our knowledge, this variant has not been reported in the literature or in a large population database (gnomAD), indicating this variant is rare. At this time, the clinical significance of this variant is uncertain due to the absence of conclusive functional and genetic evidence.

NM_001111125.3(IQSEC2):c.1124C>T (p.Ser375Leu)

Gene: IQSEC2 (IQ motif and Sec7 domain ArfGEF 2; minus strand). Cytogenetic location: Xp11.22.
Variant type: single nucleotide variant.
Coding change: c.1124C>T on transcript NM_001111125.3 (MANE Select); coding-DNA position 1124, C replaced by T.
Protein change: p.Ser375Leu; replaces serine 375 with leucine.
Molecular consequence: missense variant.
Genome position (GRCh38, 1-based): chrX:53,254,807, G>A on the plus strand (C>T on the coding strand, the complement: IQSEC2 is on the minus strand). VCF-style: chrX-53254807-G-A. GRCh37 (hg19) VCF-style: chrX-53283989-G-A.
Other names: c.1124C>T, p.Ser375Leu (NM_001410736.1); c.509C>T, p.Ser170Leu (NM_015075.2); short protein forms S170L, S375L.
Identifiers: ClinVar variation 3029289 (VCV003029289.3), dbSNP rs2519839804, ClinGen allele CA413170013.